The following is an entry in ClinVar:

ClinVar aggregate classification (germline): Uncertain significance (1 of 4 stars; one submission).

Allele frequency attached by ClinVar (database versions not stated): gnomAD exomes below 0.00001.
gnomAD v4.1: 1 of 1,612,802 alleles (0.000062%); highest among the groups gnomAD compares: Non-Finnish European, 0.000085%; no homozygotes.

Submission:

GeneDx
Classification: Uncertain significance. Last evaluated: 2025-11-18. Review status: criteria provided, single submitter. Criteria: GeneDx Variant Classification Process June 2021. Collection method: clinical testing. Allele origin: germline.
Comment: Not observed at significant frequency in large population cohorts (gnomAD); In silico analysis supports that this missense variant has a deleterious effect on protein structure/function; De novo variant with confirmed parentage; however, the reported clinical features are only partially consistent with the features typically observed in individuals with pathogenic variants in this gene; Has not been previously published as pathogenic or benign to our knowledge

NM_006218.4(PIK3CA):c.2747G>A (p.Arg916His)

Gene: PIK3CA (phosphatidylinositol-4,5-bisphosphate 3-kinase catalytic subunit alpha; plus strand). Cytogenetic location: 3q26.32.
Variant type: single nucleotide variant.
Coding change: c.2747G>A on transcript NM_006218.4 (MANE Select); coding-DNA position 2747, G replaced by A.
Protein change: p.Arg916His; replaces arginine 916 with histidine.
Molecular consequence: missense variant.
Genome position (GRCh38, 1-based): chr3:179,230,084, G>A. VCF-style: chr3-179230084-G-A. GRCh37 (hg19) VCF-style: chr3-178947872-G-A.
Other names: short protein forms R916H.
Identifiers: ClinVar variation 1706085 (VCV001706085.3), dbSNP rs2108424318, ClinGen allele CA355279853.